The following is an entry in ClinVar:

NM_003721.4(RFXANK):c.598G>A (p.Gly200Arg)

Gene: RFXANK (regulatory factor X associated ankyrin containing protein; plus strand). Cytogenetic location: 19p13.11.
Variant type: single nucleotide variant.
Coding change: c.598G>A on transcript NM_003721.4 (MANE Select); coding-DNA position 598, G replaced by A.
Protein change: p.Gly200Arg; replaces glycine 200 with arginine.
Molecular consequence: missense variant.
Genome position (GRCh38, 1-based): chr19:19,198,690, G>A. VCF-style: chr19-19198690-G-A. GRCh37 (hg19) VCF-style: chr19-19309499-G-A.
Other names: c.598G>A (NM_003721.2); c.532G>A, p.Gly178Arg (NM_001278727.2, NM_001370234.1); c.529G>A, p.Gly177Arg (NM_001278728.2, NM_134440.3); c.598G>A, p.Gly200Arg (NM_001370233.1, NM_001370238.1); c.595G>A, p.Gly199Arg (NM_001370235.1, NM_001370236.1, NM_001370237.1); short protein forms G177R, G199R, G178R, G200R.
Identifiers: ClinVar variation 653015 (VCV000653015.9), dbSNP rs748578827, ClinGen allele CA9322833.

ClinVar aggregate classification (germline): Uncertain significance. Review status: criteria provided, multiple submitters, no conflicts (2 of 4 stars). 2 submissions from 2 submitters: Uncertain significance (2). Last evaluated 2024-10-12.

Conditions:
Inborn genetic diseases. Identifiers: MedGen C0950123, MeSH D030342.
MHC class II deficiency. Also called: Bare lymphocyte syndrome 2; BLS, TYPE II. Identifiers: Orphanet 572, MedGen C5447452, MONDO:0008855.

Allele frequency attached by ClinVar (database versions not stated): gnomAD exomes 0.00001 and 0.00002; TOPMed 0.00001; ExAC 0.00002.
gnomAD v4.1: 15 of 1,613,934 alleles (0.00093%); highest among the groups gnomAD compares: Middle Eastern, 0.016%; no homozygotes.

Submissions (2):

Ambry Genetics
Classification: Uncertain significance for Inborn genetic diseases. Last evaluated: 2024-10-12. Review status: criteria provided, single submitter. Criteria: Ambry Variant Classification Scheme 2023. Collection method: clinical testing. Allele origin: germline.

Labcorp Genetics (formerly Invitae), Labcorp
Classification: Uncertain significance for MHC class II deficiency. Last evaluated: 2021-09-01. Review status: criteria provided, single submitter. Criteria: Invitae Variant Classification Sherloc (09022015). Collection method: clinical testing. Allele origin: germline.
Comment: This sequence change replaces glycine with arginine at codon 200 of the RFXANK protein (p.Gly200Arg). The glycine residue is highly conserved and there is a moderate physicochemical difference between glycine and arginine. This variant is present in population databases (rs748578827, ExAC 0.01%). This variant has not been reported in the literature in individuals affected with RFXANK-related conditions. Algorithms developed to predict the effect of missense changes on protein structure and function (SIFT, PolyPhen-2, Align-GVGD) all suggest that this variant is likely to be disruptive. Algorithms developed to predict the effect of sequence changes on RNA splicing suggest that this variant may create or strengthen a splice site. In summary, the available evidence is currently insufficient to determine the role of this variant in disease. Therefore, it has been classified as a Variant of Uncertain Significance.